The following is an entry in ClinVar:

ClinVar aggregate classification (germline): Uncertain significance. Review status: criteria provided, multiple submitters, no conflicts (2 of 4 stars). 2 submissions from 2 submitters: Uncertain significance (2). Last evaluated 2025-03-09.

Conditions:
Congenital myopathy with internal nuclei and atypical cores. Also called: Myopathy, centronuclear, 4. Identifiers: Orphanet 319160, MedGen C4707232, MONDO:0013890, OMIM 614807.
Inborn genetic diseases. Identifiers: MedGen C0950123, MeSH D030342.

Submissions (2):

Ambry Genetics
Classification: Uncertain significance for Inborn genetic diseases. Last evaluated: 2025-03-09. Review status: criteria provided, single submitter. Criteria: Ambry Variant Classification Scheme 2023. Collection method: clinical testing. Allele origin: germline.

Labcorp Genetics (formerly Invitae), Labcorp
Classification: Uncertain significance for Congenital myopathy with internal nuclei and atypical cores. Last evaluated: 2024-10-10. Review status: criteria provided, single submitter. Criteria: Invitae Variant Classification Sherloc (09022015). Collection method: clinical testing. Allele origin: germline.
Comment: This sequence change replaces threonine, which is neutral and polar, with isoleucine, which is neutral and non-polar, at codon 151 of the CCDC78 protein (p.Thr151Ile). This variant is not present in population databases (gnomAD no frequency). This variant has not been reported in the literature in individuals affected with CCDC78-related conditions. Invitae Evidence Modeling of protein sequence and biophysical properties (such as structural, functional, and spatial information, amino acid conservation, physicochemical variation, residue mobility, and thermodynamic stability) indicates that this missense variant is not expected to disrupt CCDC78 protein function with a negative predictive value of 80%. In summary, the available evidence is currently insufficient to determine the role of this variant in disease. Therefore, it has been classified as a Variant of Uncertain Significance.

NM_001378030.1(CCDC78):c.452C>T (p.Thr151Ile)

Gene: CCDC78 (coiled-coil domain containing 78; minus strand). Cytogenetic location: 16p13.3.
Variant type: single nucleotide variant.
Coding change: c.452C>T on transcript NM_001378030.1 (MANE Select); coding-DNA position 452, C replaced by T.
Protein change: p.Thr151Ile; replaces threonine 151 with isoleucine.
Molecular consequence: missense variant. On other transcripts: 5 prime UTR variant (1), non-coding transcript variant (5).
Genome position (GRCh38, 1-based): chr16:725,277, G>A on the plus strand (C>T on the coding strand, the complement: CCDC78 is on the minus strand). VCF-style: chr16-725277-G-A. GRCh37 (hg19) VCF-style: chr16-775277-G-A.
Other names: c.452C>T, p.Thr151Ile (NM_001031737.3, NM_001378031.1); c.-2C>T (NM_001378033.1); c.452C>T (NM_001031737.2); short protein forms T151I.
Identifiers: ClinVar variation 3666850 (VCV003666850.3).